The following is an entry in ClinVar:

ClinVar aggregate classification (germline): Uncertain significance (1 of 4 stars; one submission).

Submission:

Women's Health and Genetics/Laboratory Corporation of America, LabCorp
Classification: Uncertain significance. Last evaluated: 2021-10-29. Review status: criteria provided, single submitter. Criteria: LabCorp Variant Classification Summary - May 2015. Collection method: clinical testing. Allele origin: germline.
Comment: Variant summary: MED12 c.2941T>A (p.Ser981Thr) results in a conservative amino acid change in the encoded protein sequence. Three of five in-silico tools predict a damaging effect of the variant on protein function. The variant was absent in 181100 control chromosomes (gnomAD). The available data on variant occurrences in the general population are insufficient to allow any conclusion about variant significance. To our knowledge, no occurrence of c.2941T>A in individuals affected with MED12-Related Disorders and no experimental evidence demonstrating its impact on protein function have been reported. No clinical diagnostic laboratories have submitted clinical-significance assessments for this variant to ClinVar after 2014. Based on the evidence outlined above, the variant was classified as uncertain significance.

NM_005120.3(MED12):c.2941T>A (p.Ser981Thr)

Gene: MED12 (mediator complex subunit 12; plus strand). Cytogenetic location: Xq13.1.
Variant type: single nucleotide variant.
Coding change: c.2941T>A on transcript NM_005120.3 (MANE Select); coding-DNA position 2941, T replaced by A.
Protein change: p.Ser981Thr; replaces serine 981 with threonine.
Molecular consequence: missense variant.
Genome position (GRCh38, 1-based): chrX:71,127,427, T>A. VCF-style: chrX-71127427-T-A. GRCh37 (hg19) VCF-style: chrX-70347277-T-A.
Other names: short protein forms S981T.
Identifiers: ClinVar variation 1321440 (VCV001321440.1), dbSNP rs2147799502, ClinGen allele CA413516597.